The following is an entry in ClinVar:

ClinVar aggregate classification (germline): Conflicting classifications of pathogenicity. Review status: criteria provided, conflicting classifications (1 of 4 stars). 6 submissions from 6 submitters: Uncertain significance (4); Likely benign (2). Last evaluated 2026-01-16.

Conditions:
Renal cell carcinoma. Identifiers: Orphanet 217071, MedGen C0007134, MeSH D002292, MONDO:0005086, HP:0005584.
Autosomal recessive nonsyndromic hearing loss 97. Also called: Deafness, autosomal recessive 97. Identifiers: Orphanet 90636, MedGen C4084709, MONDO:0014739, OMIM 616705.
Hereditary cancer-predisposing syndrome. Also called: Hereditary Cancer Syndrome; Hereditary neoplastic syndrome; Neoplastic Syndromes, Hereditary; Tumor predisposition. Identifiers: Orphanet 140162, MedGen C0027672, MeSH D009386, MONDO:0015356.
MET-related disorder. Also called: MET-related condition.
Papillary renal cell carcinoma type 1 (RCCP1). Also called: Renal adenocarcinoma; Renal cell carcinoma 1; Renal cell carcinoma, somatic; RENAL CELL CARCINOMA, PAPILLARY, 1, SOMATIC. Identifiers: Orphanet 47044, MedGen C1336839, OMIM 605074, HP:0011797.

Allele frequency attached by ClinVar (database versions not stated): ExAC 0.00001; gnomAD exomes 0.00001; TOPMed 0.00002; gnomAD 0.00003 and 0.00004.
gnomAD v4.1: 12 of 1,613,982 alleles (0.00074%); highest among the groups gnomAD compares: African/African-American, 0.016%; no homozygotes.

Submissions (6):

Labcorp Genetics (formerly Invitae), Labcorp
Classification: Likely benign for Renal cell carcinoma. Last evaluated: 2026-01-16. Review status: criteria provided, single submitter. Criteria: Invitae Variant Classification Sherloc (09022015). Collection method: clinical testing. Allele origin: germline.

Ambry Genetics
Classification: Likely benign for Hereditary cancer-predisposing syndrome. Last evaluated: 2023-10-27. Review status: criteria provided, single submitter. Criteria: Ambry Variant Classification Scheme 2023. Collection method: clinical testing. Allele origin: germline.

Baylor Genetics
Classification: Uncertain significance for Autosomal recessive nonsyndromic hearing loss 97. Last evaluated: 2023-10-02. Review status: criteria provided, single submitter. Criteria: ACMG Guidelines, 2015. Collection method: clinical testing. Allele origin: unknown.

GeneDx
Classification: Uncertain significance. Last evaluated: 2023-09-14. Review status: criteria provided, single submitter. Criteria: GeneDx Variant Classification Process June 2021. Collection method: clinical testing. Allele origin: germline. Affected: yes.
Comment: Not observed at significant frequency in large population cohorts (gnomAD); In silico analysis supports that this missense variant has a deleterious effect on protein structure/function; Has not been previously published as pathogenic or benign to our knowledge

PreventionGenetics, part of Exact Sciences
Classification: Uncertain significance for MET-related condition. Last evaluated: 2023-02-01. Review status: criteria provided, single submitter. Criteria: ACMG Guidelines, 2015. Collection method: clinical testing. Allele origin: germline.
Comment: The MET c.341A>T variant is predicted to result in the amino acid substitution p.Asp114Val. To our knowledge, this variant has not been reported in the literature. This variant is reported in 4 of ~281,000 alleles in gnomAD and is interpreted as uncertain significance in ClinVar. At this time, the clinical significance of this variant is uncertain due to the absence of conclusive functional and genetic evidence.

Illumina Laboratory Services, Illumina
Classification: Uncertain significance for Papillary renal cell carcinoma type 1. Last evaluated: 2018-01-13. Review status: criteria provided, single submitter. Criteria: ICSL Variant Classification Criteria 13 December 2019. Collection method: clinical testing. Allele origin: germline.

NM_000245.4(MET):c.341A>T (p.Asp114Val)

Gene: MET (MET proto-oncogene, receptor tyrosine kinase; plus strand). Cytogenetic location: 7q31.2.
Variant type: single nucleotide variant.
Coding change: c.341A>T on transcript NM_000245.4 (MANE Select); coding-DNA position 341, A replaced by T.
Protein change: p.Asp114Val; replaces aspartic acid 114 with valine.
Molecular consequence: missense variant. On other transcripts: intron variant (1).
Genome position (GRCh38, 1-based): chr7:116,699,425, A>T. VCF-style: chr7-116699425-A-T. GRCh37 (hg19) VCF-style: chr7-116339479-A-T.
Other names: c.341A>T, p.Asp114Val (NM_001127500.3, NM_001324401.3); c.-91+26848A>T (NM_001324402.2); c.341A>T (NM_001127500.2); short protein forms D114V.
Identifiers: ClinVar variation 454240 (VCV000454240.19), dbSNP rs773659883, ClinGen allele CA4447978.